The following is an entry in ClinVar:

NM_024422.6(DSC2):c.173T>G (p.Phe58Cys)

Gene: DSC2 (desmocollin 2; minus strand). Cytogenetic location: 18q12.1.
Variant type: single nucleotide variant.
Coding change: c.173T>G on transcript NM_024422.6 (MANE Select); coding-DNA position 173, T replaced by G.
Protein change: p.Phe58Cys; replaces phenylalanine 58 with cysteine.
Molecular consequence: missense variant.
Genome position (GRCh38, 1-based): chr18:31,092,282, A>C on the plus strand (T>G on the coding strand, the complement: DSC2 is on the minus strand). VCF-style: chr18-31092282-A-C. GRCh37 (hg19) VCF-style: chr18-28672245-A-C.
Other names: c.-257T>G (NM_001406506.1, NM_001406507.1); c.173T>G, p.Phe58Cys (NM_004949.5); short protein forms F58C.
Identifiers: ClinVar variation 2114352 (VCV002114352.4), dbSNP rs2510956310, ClinGen allele CA402114954.
Genomic context (GRCh38, chr18:31,092,282, plus strand): 5'-GAACCATCCTCCAAAATTTGGAAGTCAGGATCACTTGAATGAATTAGATTTGCAGCTGTA[A>C]AGCACTCTTTCAGGTTAACTGTAGAAAATATGCACAGCAATCATTTTTAAAGTAAAACAT-3'
Protein context (NP_077740.1, residues 48-68): LVGRVNLKEC[Phe58Cys]TAANLIHSSD

ClinVar aggregate classification (germline): Uncertain significance (1 of 4 stars; one submission).

Conditions:
Arrhythmogenic right ventricular dysplasia 11. Also called: Arrhythmogenic right ventricular dysplasia 11 with mild palmoplantar keratoderma and woolly hair; Arrhythmogenic Right Ventricular Dysplasia/Cardiomyopathy11; ARRHYTHMOGENIC RIGHT VENTRICULAR DYSPLASIA, FAMILIAL, 11. Identifiers: MedGen C1864850, MONDO:0012506, OMIM 610476.

Allele frequency attached by ClinVar (database versions not stated): gnomAD exomes below 0.00001.
gnomAD v4.1: 2 of 1,613,600 alleles (0.00012%); highest among the groups gnomAD compares: Non-Finnish European, 0.00017%; no homozygotes.

Submission:

Labcorp Genetics (formerly Invitae), Labcorp
Classification: Uncertain significance for Arrhythmogenic right ventricular dysplasia 11. Last evaluated: 2022-06-16. Review status: criteria provided, single submitter. Criteria: Invitae Variant Classification Sherloc (09022015). Collection method: clinical testing. Allele origin: germline.
Comment: This variant has not been reported in the literature in individuals affected with DSC2-related conditions. This sequence change replaces phenylalanine, which is neutral and non-polar, with cysteine, which is neutral and slightly polar, at codon 58 of the DSC2 protein (p.Phe58Cys). This variant is not present in population databases (gnomAD no frequency). In summary, the available evidence is currently insufficient to determine the role of this variant in disease. Therefore, it has been classified as a Variant of Uncertain Significance. Algorithms developed to predict the effect of missense changes on protein structure and function are either unavailable or do not agree on the potential impact of this missense change (SIFT: "Deleterious"; PolyPhen-2: "Probably Damaging"; Align-GVGD: "Class C15").